The following is an entry in ClinVar:

ClinVar aggregate classification (germline): Uncertain significance. Review status: criteria provided, multiple submitters, no conflicts (2 of 4 stars). 3 submissions from 3 submitters: Uncertain significance (3). Last evaluated 2026-03-27.

Conditions:
Cardiovascular phenotype. Identifiers: MedGen CN230736.
Familial thoracic aortic aneurysm and aortic dissection (TAAD). Also called: Thoracic aortic aneurysms and dissections. Identifiers: Orphanet 91387, MedGen C4707243, MONDO:0019625.
Aortic aneurysm, familial thoracic 7 (AAT7). Also called: AORTIC DISSECTION, FAMILIAL, WITH OR WITHOUT AORTIC ANEURYSM. Identifiers: MedGen C3151077, MONDO:0013418, OMIM 613780.

Allele frequency attached by ClinVar (database versions not stated): gnomAD 0.00001; gnomAD exomes below 0.00001; TOPMed below 0.00001.
gnomAD v4.1: 4 of 1,613,516 alleles (0.00025%); highest among the groups gnomAD compares: Non-Finnish European, 0.00034%; no homozygotes.

Submissions (3):

Molecular Diagnostic Laboratory for Inherited Cardiovascular Disease, Montreal Heart Institute
Classification: Uncertain significance for Cardiovascular phenotype. Last evaluated: 2026-03-27. Review status: criteria provided, single submitter. Criteria: ACMG Guidelines, 2015. Collection method: clinical testing. Allele origin: germline. Affected: yes.
Comment: PM2, PP3

Labcorp Genetics (formerly Invitae), Labcorp
Classification: Uncertain significance for Aortic aneurysm, familial thoracic 7. Last evaluated: 2025-09-29. Review status: criteria provided, single submitter. Criteria: Invitae Variant Classification Sherloc (09022015). Collection method: clinical testing. Allele origin: germline.
Comment: This sequence change replaces isoleucine, which is neutral and non-polar, with threonine, which is neutral and polar, at codon 1591 of the MYLK protein (p.Ile1591Thr). This variant is present in population databases (no rsID available, gnomAD 0.007%). This variant has not been reported in the literature in individuals affected with MYLK-related conditions. ClinVar contains an entry for this variant (Variation ID: 3228922). Invitae Evidence Modeling of protein sequence and biophysical properties (such as structural, functional, and spatial information, amino acid conservation, physicochemical variation, residue mobility, and thermodynamic stability) indicates that this missense variant is not expected to disrupt MYLK protein function with a negative predictive value of 80%. In summary, the available evidence is currently insufficient to determine the role of this variant in disease. Therefore, it has been classified as a Variant of Uncertain Significance.

Ambry Genetics
Classification: Uncertain significance for Familial thoracic aortic aneurysm and aortic dissection. Last evaluated: 2024-02-01. Review status: criteria provided, single submitter. Criteria: Ambry Variant Classification Scheme 2023. Collection method: clinical testing. Allele origin: germline.
Comment: The p.I1591T variant (also known as c.4772T>C), located in coding exon 25 of the MYLK gene, results from a T to C substitution at nucleotide position 4772. The isoleucine at codon 1591 is replaced by threonine, an amino acid with similar properties. This amino acid position is conserved. In addition, this alteration is predicted to be deleterious by in silico analysis. Based on the available evidence, the clinical significance of this alteration remains unclear.

NM_053025.4(MYLK):c.4772T>C (p.Ile1591Thr)

Gene: MYLK (myosin light chain kinase; minus strand). Cytogenetic location: 3q21.1.
Variant type: single nucleotide variant.
Coding change: c.4772T>C on transcript NM_053025.4 (MANE Select); coding-DNA position 4772, T replaced by C.
Protein change: p.Ile1591Thr; replaces isoleucine 1591 with threonine.
Molecular consequence: missense variant.
Genome position (GRCh38, 1-based): chr3:123,640,352, A>G on the plus strand (T>C on the coding strand, the complement: MYLK is on the minus strand). VCF-style: chr3-123640352-A-G. GRCh37 (hg19) VCF-style: chr3-123359199-A-G.
Other names: c.4244T>C, p.Ile1415Thr (NM_001321309.2); c.4565T>C, p.Ile1522Thr (NM_053026.4, NM_053028.4); c.4772T>C, p.Ile1591Thr (NM_053027.4); short protein forms I1415T, I1522T, I1591T.
Identifiers: ClinVar variation 3228922 (VCV003228922.4), dbSNP rs1425565255, ClinGen allele CA354225985.